The following is an entry in ClinVar:

NM_000093.5(COL5A1):c.2844+163T>G

Gene: COL5A1 (collagen type V alpha 1 chain; plus strand). Cytogenetic location: 9q34.3.
Variant type: single nucleotide variant.
Coding change: c.2844+163T>G on transcript NM_000093.5 (MANE Select); 163 bases into the intron after coding-DNA position 2844, T replaced by G.
Molecular consequence: intron variant.
Genome position (GRCh38, 1-based): chr9:134,796,581, T>G. VCF-style: chr9-134796581-T-G. GRCh37 (hg19) VCF-style: chr9-137688427-T-G.
Other names: c.2844+163T>G (NM_001278074.1).
Identifiers: ClinVar variation 672275 (VCV000672275.1), dbSNP rs3811162, ClinGen allele CA12975161.

ClinVar aggregate classification (germline): Benign (1 of 4 stars; one submission).

Allele frequency attached by ClinVar (database versions not stated): gnomAD 0.66569; TOPMed 0.67027; 1000 Genomes Project 0.70288; 1000 Genomes Project 30x 0.70378.
gnomAD v4.1: 100,671 of 152,050 alleles (66%); highest among the groups gnomAD compares: African/African-American, 85%; 34,487 homozygotes.

Submission:

GeneDx
Classification: Benign. Last evaluated: 2018-06-14. Review status: criteria provided, single submitter. Criteria: GeneDx Variant Classification (06012015). Collection method: clinical testing. Allele origin: germline. Affected: yes.
Comment: This variant is considered likely benign or benign based on one or more of the following criteria: it is a conservative change, it occurs at a poorly conserved position in the protein, it is predicted to be benign by multiple in silico algorithms, and/or has population frequency not consistent with disease.